The following is an entry in ClinVar:

NM_001003800.2(BICD2):c.2485G>A (p.Ala829Thr)

Gene: BICD2 (BICD cargo adaptor 2; minus strand). Cytogenetic location: 9q22.31.
Variant type: single nucleotide variant.
Coding change: c.2485G>A on transcript NM_001003800.2 (MANE Select); coding-DNA position 2485, G replaced by A.
Protein change: p.Ala829Thr; replaces alanine 829 with threonine.
Molecular consequence: missense variant. On other transcripts: intron variant (1).
Genome position (GRCh38, 1-based): chr9:92,715,237, C>T on the plus strand (G>A on the coding strand, the complement: BICD2 is on the minus strand). VCF-style: chr9-92715237-C-T. GRCh37 (hg19) VCF-style: chr9-95477519-C-T.
Other names: c.2469+16G>A (NM_015250.4); short protein forms A829T.
Identifiers: ClinVar variation 862260 (VCV000862260.10), dbSNP rs1853278571, ClinGen allele CA374029525.
Genomic context (GRCh38, chr9:92,715,237, plus strand): 5'-TCTCGCTGCAGAACACCTGGTTGGCCAGCCCGGTGCCCTCGGCCCTGTCGCTGGCACAGG[C>T]ACAGGTGTGACTTACGCTCGGTGTGGCTGGCTTGGTCTTCGGGGCGGCTTTGGCACGGCC-3'
Protein context (NP_001003800.1, residues 819-839): PATPSVSHTC[Ala829Thr]CASDRAEGTG

ClinVar aggregate classification (germline): Uncertain significance (1 of 4 stars; one submission).

Conditions:
Autosomal dominant childhood-onset proximal spinal muscular atrophy with contractures (SMALED2A). Also called: SPINAL MUSCULAR ATROPHY, LOWER EXTREMITY-PREDOMINANT, 2A, CHILDHOOD ONSET, AUTOSOMAL DOMINANT; Spinal muscular atrophy, lower extremity-predominant, 2A, autosomal dominant. Identifiers: Orphanet 363447, Orphanet 363454, MedGen C4747715, MONDO:0014121, OMIM 615290.

Allele frequency attached by ClinVar (database versions not stated): gnomAD exomes below 0.00001.
gnomAD v4.1: 1 of 1,613,344 alleles (0.000062%); highest among the groups gnomAD compares: South Asian, 0.0011%; no homozygotes.

Submission:

Labcorp Genetics (formerly Invitae), Labcorp
Classification: Uncertain significance for Autosomal dominant childhood-onset proximal spinal muscular atrophy with contractures. Last evaluated: 2022-04-26. Review status: criteria provided, single submitter. Criteria: Invitae Variant Classification Sherloc (09022015). Collection method: clinical testing. Allele origin: germline.
Comment: Advanced modeling of protein sequence and biophysical properties (such as structural, functional, and spatial information, amino acid conservation, physicochemical variation, residue mobility, and thermodynamic stability) performed at Invitae indicates that this missense variant is not expected to disrupt BICD2 protein function. ClinVar contains an entry for this variant (Variation ID: 862260). This variant has not been reported in the literature in individuals affected with BICD2-related conditions. This variant is not present in population databases (gnomAD no frequency). This sequence change replaces alanine, which is neutral and non-polar, with threonine, which is neutral and polar, at codon 829 of the BICD2 protein (p.Ala829Thr). In summary, the available evidence is currently insufficient to determine the role of this variant in disease. Therefore, it has been classified as a Variant of Uncertain Significance.